The following is an entry in ClinVar:

NM_001382430.1(AKT1):c.578C>G (p.Ala193Gly)

Gene: AKT1 (AKT serine/threonine kinase 1; minus strand). Cytogenetic location: 14q32.33.
Variant type: single nucleotide variant.
Coding change: c.578C>G on transcript NM_001382430.1 (MANE Select); coding-DNA position 578, C replaced by G.
Protein change: p.Ala193Gly; replaces alanine 193 with glycine.
Molecular consequence: missense variant.
Genome position (GRCh38, 1-based): chr14:104,774,993, G>C on the plus strand (C>G on the coding strand, the complement: AKT1 is on the minus strand). VCF-style: chr14-104774993-G-C. GRCh37 (hg19) VCF-style: chr14-105241330-G-C.
Other names: c.578C>G, p.Ala193Gly (NM_001014431.2, NM_001014432.2, NM_001382431.1 and 3 more transcripts); short protein forms A193G.
Identifiers: ClinVar variation 1749639 (VCV001749639.2), dbSNP rs756293014, ClinGen allele CA391219265.

ClinVar aggregate classification (germline): Uncertain significance (1 of 4 stars; one submission).

Conditions:
Inborn genetic diseases. Identifiers: MedGen C0950123, MeSH D030342.

Submission:

Ambry Genetics
Classification: Uncertain significance for Inborn genetic diseases. Last evaluated: 2022-09-01. Review status: criteria provided, single submitter. Criteria: Ambry Variant Classification Scheme 2023. Collection method: clinical testing. Allele origin: germline.
Comment: The p.A193G variant (also known as c.578C>G), located in coding exon 6 of the AKT1 gene, results from a C to G substitution at nucleotide position 578. The alanine at codon 193 is replaced by glycine, an amino acid with similar properties. This amino acid position is conserved. In addition, the in silico prediction for this alteration is inconclusive. Since supporting evidence is limited at this time, the clinical significance of this alteration remains unclear.